The following is an entry in ClinVar:

ClinVar aggregate classification (germline): Benign/Likely benign. Review status: criteria provided, multiple submitters, no conflicts (2 of 4 stars). 10 submissions from 10 submitters: Benign (3); Likely benign (6). 1 of the submissions does not count toward it. Last evaluated 2026-05-01.

Conditions:
Autosomal dominant nonsyndromic hearing loss 65. Also called: Deafness, autosomal dominant 65; TBC1D24-Related Autosomal Dominant Nonsyndromic Hearing Loss (DFNA). Identifiers: Orphanet 90635, MedGen C3892048, MONDO:0014470, OMIM 616044.
Developmental and epileptic encephalopathy, 1 (DEE1). Also called: X-linked infantile spasms; West's syndrome; Tonic spasms with clustering, arrest of psychomotor development and hypsarrhythmia on EEG; X-Linked Infantile Spasm Syndrome; INFANTILE SPASM SYNDROME, X-LINKED 1; Epileptic encephalopathy, early infantile, 1. Identifiers: MedGen C3463992, MONDO:0010632, OMIM 308350. Disease mechanism: loss of function.
TBC1D24-related disorder. Also called: TBC1D24-related condition; TBC1D24-related disorders. Identifiers: MedGen CN381194.
Inborn genetic diseases. Identifiers: MedGen C0950123, MeSH D030342.
Familial infantile myoclonic epilepsy (FIME). Also called: Epilepsy, Myoclonic, Infantile; TBC1D24-Related Familial Infantile Myoclonic Epilepsy (FIME). Identifiers: Orphanet 352582, MedGen C0917800, MONDO:0011506, OMIM 605021.

Allele frequency attached by ClinVar (database versions not stated): gnomAD exomes 0.00046; ExAC 0.00055; 1000 Genomes Project 30x 0.00172; gnomAD 0.00183 and 0.00200; 1000 Genomes Project 0.00200; TOPMed 0.00231; ESP Exome Variant Server 0.00234.
gnomAD v4.1: 516 of 1,609,646 alleles (0.032%); highest among the groups gnomAD compares: African/African-American, 0.62%; 1 homozygote.

Submissions (10):

CeGaT Center for Human Genetics Tuebingen
Classification: Likely benign. Last evaluated: 2026-05-01. Review status: criteria provided, single submitter. Criteria: CeGaT Center For Human Genetics Tuebingen Variant Classification Criteria Version 2. Collection method: clinical testing. Allele origin: germline. Affected: yes. Observed: 3 variant alleles.
Comment: TBC1D24: BP4, BP7

Labcorp Genetics (formerly Invitae), Labcorp
Classification: Benign for Developmental and epileptic encephalopathy, 1; Autosomal dominant nonsyndromic hearing loss 65. Last evaluated: 2026-01-12. Review status: criteria provided, single submitter. Criteria: Invitae Variant Classification Sherloc (09022015). Collection method: clinical testing. Allele origin: germline.

Women's Health and Genetics/Laboratory Corporation of America, LabCorp
Classification: Likely benign. Last evaluated: 2025-06-04. Review status: criteria provided, single submitter. Criteria: LabCorp Variant Classification Summary - May 2015. Collection method: clinical testing. Allele origin: germline.

Blueprint Genetics
Classification: Likely benign. Last evaluated: 2024-11-14. Review status: criteria provided, single submitter. Criteria: ACMG Guidelines, 2015. Collection method: clinical testing. Allele origin: germline.

Illumina Laboratory Services, Illumina
Classification: Likely benign for Familial infantile myoclonic epilepsy. Last evaluated: 2018-01-13. Review status: criteria provided, single submitter. Criteria: ICSL Variant Classification Criteria 13 December 2019. Collection method: clinical testing. Allele origin: germline.
Comment: This variant was observed in the ICSL laboratory as part of a predisposition screen in an ostensibly healthy population. It had not been previously curated by ICSL or reported in the Human Gene Mutation Database (HGMD: prior to June 1st, 2018), and was therefore a candidate for classification through an automated scoring system. Utilizing variant allele frequency, disease prevalence and penetrance estimates, and inheritance mode, an automated score was calculated to assess if this variant is too frequent to cause the disease. Based on the score and internal cut-off values, a variant classified as likely benign is not then subjected to further curation. The score for this variant resulted in a classification of likely benign for this disease.

Athena Diagnostics
Classification: Likely benign. Last evaluated: 2016-10-28. Review status: criteria provided, single submitter. Criteria: Athena Diagnostics Criteria. Collection method: clinical testing. Allele origin: germline.

Ambry Genetics
Classification: Likely benign for Inborn genetic diseases. Last evaluated: 2016-10-19. Review status: criteria provided, single submitter. Criteria: Ambry Variant Classification Scheme 2023. Collection method: clinical testing. Allele origin: germline.

Eurofins Ntd Llc (ga)
Classification: Benign. Last evaluated: 2014-12-17. Review status: criteria provided, single submitter. Criteria: EGL Classification Definitions 2015. Collection method: clinical testing. Allele origin: germline. Observed: 1 variant allele, 1 heterozygote.

GeneDx
Classification: Benign. Last evaluated: 2013-10-28. Review status: criteria provided, single submitter. Criteria: GeneDx Variant Classification (06012015). Collection method: clinical testing. Allele origin: germline. Affected: yes.
Comment: This variant is considered likely benign or benign based on one or more of the following criteria: it is a conservative change, it occurs at a poorly conserved position in the protein, it is predicted to be benign by multiple in silico algorithms, and/or has population frequency not consistent with disease.

PreventionGenetics, part of Exact Sciences
Classification: Likely benign for TBC1D24-related condition. Last evaluated: 2019-04-10. Review status: no assertion criteria provided. Collection method: clinical testing. Allele origin: germline. Not counted in ClinVar's aggregate classification.
Comment: This variant is classified as likely benign based on ACMG/AMP sequence variant interpretation guidelines (Richards et al. 2015 PMID: 25741868, with internal and published modifications).

NM_001199107.2(TBC1D24):c.441C>T (p.Asp147=)

Gene: TBC1D24 (TBC1 domain family member 24; plus strand). Cytogenetic location: 16p13.3.
Variant type: single nucleotide variant.
Coding change: c.441C>T on transcript NM_001199107.2 (MANE Select); coding-DNA position 441, C replaced by T.
Protein change: p.Asp147=; no amino-acid change (aspartic acid 147 retained).
Molecular consequence: synonymous variant.
Genome position (GRCh38, 1-based): chr16:2,496,589, C>T. VCF-style: chr16-2496589-C-T. GRCh37 (hg19) VCF-style: chr16-2546590-C-T.
Other names: p.D147D:GAC>GAT; c.441C>T, p.Asp147= (NM_020705.3).
Identifiers: ClinVar variation 139394 (VCV000139394.61), dbSNP rs149371169, ClinGen allele CA302805.